The following is an entry in ClinVar:

ClinVar aggregate classification (germline): Uncertain significance. Review status: criteria provided, multiple submitters, no conflicts (2 of 4 stars). 2 submissions from 2 submitters: Uncertain significance (2). Last evaluated 2025-06-18.

Conditions:
Inborn genetic diseases. Identifiers: MedGen C0950123, MeSH D030342.

gnomAD v4.1: 5 of 1,597,046 alleles (0.00031%); highest among the groups gnomAD compares: African/African-American, 0.0013%; no homozygotes.

Submissions (2):

Ambry Genetics
Classification: Uncertain significance for Inborn genetic diseases. Last evaluated: 2025-06-18. Review status: criteria provided, single submitter. Criteria: Ambry Variant Classification Scheme 2023. Collection method: clinical testing. Allele origin: germline.

GeneDx
Classification: Uncertain significance. Last evaluated: 2024-10-10. Review status: criteria provided, single submitter. Criteria: GeneDx Variant Classification Process June 2021. Collection method: clinical testing. Allele origin: germline. Affected: yes.
Comment: Not observed at significant frequency in large population cohorts (gnomAD); In silico analysis indicates that this missense variant does not alter protein structure/function; Has not been previously published as pathogenic or benign to our knowledge

NM_001164508.2(NEB):c.6086A>G (p.Lys2029Arg)

Gene: NEB (nebulin; minus strand). Cytogenetic location: 2q23.3.
Variant type: single nucleotide variant.
Coding change: c.6086A>G on transcript NM_001164508.2 (MANE Select); coding-DNA position 6086, A replaced by G.
Protein change: p.Lys2029Arg; replaces lysine 2029 with arginine.
Molecular consequence: missense variant.
Genome position (GRCh38, 1-based): chr2:151,658,080, T>C on the plus strand (A>G on the coding strand, the complement: NEB is on the minus strand). VCF-style: chr2-151658080-T-C. GRCh37 (hg19) VCF-style: chr2-152514594-T-C.
Other names: c.6086A>G, p.Lys2029Arg (NM_001164507.2, NM_001271208.2, NM_004543.5); c.6086A>G (NM_004543.4); short protein forms K2029R.
Identifiers: ClinVar variation 3777470 (VCV003777470.2).